The following is an entry in ClinVar:

ClinVar aggregate classification (germline): Likely benign (0 of 4 stars; one submission).

Conditions:
SEMA3F-related disorder. Also called: SEMA3F-related condition.

gnomAD v4.1: 53 of 1,606,758 alleles (0.0033%); highest among the groups gnomAD compares: South Asian, 0.011%; no homozygotes.

Submission:

PreventionGenetics, part of Exact Sciences
Classification: Likely benign for SEMA3F-related condition. Last evaluated: 2022-12-15. Review status: no assertion criteria provided. Collection method: clinical testing. Allele origin: germline.
Comment: This variant is classified as likely benign based on ACMG/AMP sequence variant interpretation guidelines (Richards et al. 2015 PMID: 25741868, with internal and published modifications).

NM_004186.5(SEMA3F):c.2145G>A (p.Pro715=)

Gene: SEMA3F (semaphorin 3F; plus strand). Cytogenetic location: 3p21.31.
Variant type: single nucleotide variant.
Coding change: c.2145G>A on transcript NM_004186.5 (MANE Select); coding-DNA position 2145, G replaced by A.
Protein change: p.Pro715=; no amino-acid change (proline 715 retained).
Molecular consequence: synonymous variant.
Genome position (GRCh38, 1-based): chr3:50,187,902, G>A. VCF-style: chr3-50187902-G-A. GRCh37 (hg19) VCF-style: chr3-50225335-G-A.
Other names: c.1848G>A, p.Pro616= (NM_001318798.2); c.2052G>A, p.Pro684= (NM_001318800.2).
Identifiers: ClinVar variation 3358531 (VCV003358531.1).
Genomic context (GRCh38, chr3:50,187,902, plus strand): 5'-TGTACTGGGCCGGGACGCCGTCCATGCTGCCCTCTTCCCACCACTGTCCATGAGCGCCCC[G>A]CCACCCCCAGGCGCAGGCCCCCCAACGCCTCCTTACCAGGAGTTAGCCCAGCTGCTGGCC-3'
Protein context (NP_004177.3, residues 705-725): ALFPPLSMSA[Pro715=]PPPGAGPPTP